The following is an entry in ClinVar:

NM_002253.4(KDR):c.2360G>A (p.Arg787Gln)

Gene: KDR (kinase insert domain receptor; minus strand). Cytogenetic location: 4q12.
Variant type: single nucleotide variant.
Coding change: c.2360G>A on transcript NM_002253.4 (MANE Select); coding-DNA position 2360, G replaced by A.
Protein change: p.Arg787Gln; replaces arginine 787 with glutamine.
Molecular consequence: missense variant.
Genome position (GRCh38, 1-based): chr4:55,098,710, C>T on the plus strand (G>A on the coding strand, the complement: KDR is on the minus strand). VCF-style: chr4-55098710-C-T. GRCh37 (hg19) VCF-style: chr4-55964877-C-T.
Other names: short protein forms R787Q.
Identifiers: ClinVar variation 161593 (VCV000161593.2), dbSNP rs193921127, ClinGen allele CA174411.

ClinVar aggregate classification (germline): Uncertain significance (0 of 4 stars; one submission).

Conditions:
Prostate cancer. Also called: Malignant tumor of prostate. Identifiers: Orphanet 1331, MedGen C0376358, MONDO:0008315, HP:0012125.

Allele frequency attached by ClinVar (database versions not stated): gnomAD 0.00002 and 0.00003; TOPMed 0.00002; ExAC 0.00003; gnomAD exomes 0.00002.
gnomAD v4.1: 28 of 1,611,840 alleles (0.0017%); highest among the groups gnomAD compares: East Asian, 0.018%; no homozygotes.

Submission:

Science for Life laboratory,  Karolinska Institutet
Classification: Uncertain significance for Malignant tumor of prostate. Review status: no assertion criteria provided. Collection method: not provided. Allele origin: somatic.
Comment: TumorID:SWE-92B,SWE-92C
ClinVar note: Converted during submission from Unknown to Uncertain significance.